The following is an entry in ClinVar:

NM_004168.4(SDHA):c.1702C>G (p.Leu568Val)

Gene: SDHA (succinate dehydrogenase complex flavoprotein subunit A; plus strand). Cytogenetic location: 5p15.33.
Variant type: single nucleotide variant.
Coding change: c.1702C>G on transcript NM_004168.4 (MANE Select); coding-DNA position 1702, C replaced by G.
Protein change: p.Leu568Val; replaces leucine 568 with valine.
Molecular consequence: missense variant. On other transcripts: intron variant (1).
Genome position (GRCh38, 1-based): chr5:251,376, C>G. VCF-style: chr5-251376-C-G. GRCh37 (hg19) VCF-style: chr5-251491-C-G.
Other names: c.1558C>G, p.Leu520Val (NM_001294332.2); c.1552-3017C>G (NM_001330758.2); short protein forms L568V, L520V.
Identifiers: ClinVar variation 472351 (VCV000472351.11), dbSNP rs1554001912, ClinGen allele CA359000014.

ClinVar aggregate classification (germline): Uncertain significance (1 of 4 stars; one submission).

Conditions:
Mitochondrial complex II deficiency, nuclear type 1. Also called: SUCCINATE CoQ REDUCTASE DEFICIENCY. Identifiers: Orphanet 3208, MedGen C5700310, MONDO:0100294, OMIM 252011.
Pheochromocytoma/paraganglioma syndrome 5. Also called: Paragangliomas 5; SDHA-Related Hereditary Paraganglioma-Pheochromocytoma Syndrome. Identifiers: Orphanet 29072, MedGen C3279992, MONDO:0013602, OMIM 614165.

Allele frequency attached by ClinVar (database versions not stated): gnomAD exomes below 0.00001.
gnomAD v4.1: 2 of 1,613,786 alleles (0.00012%); highest among the groups gnomAD compares: Middle Eastern, 0.017%; no homozygotes.

Submission:

Labcorp Genetics (formerly Invitae), Labcorp
Classification: Uncertain significance for Pheochromocytoma/paraganglioma syndrome 5; Mitochondrial complex II deficiency, nuclear type 1. Last evaluated: 2025-08-03. Review status: criteria provided, single submitter. Criteria: Invitae Variant Classification Sherloc (09022015). Collection method: clinical testing. Allele origin: germline.
Comment: This sequence change replaces leucine, which is neutral and non-polar, with valine, which is neutral and non-polar, at codon 568 of the SDHA protein (p.Leu568Val). This variant is not present in population databases (gnomAD no frequency). This variant has not been reported in the literature in individuals affected with SDHA-related conditions. ClinVar contains an entry for this variant (Variation ID: 472351). Invitae Evidence Modeling of protein sequence and biophysical properties (such as structural, functional, and spatial information, amino acid conservation, physicochemical variation, residue mobility, and thermodynamic stability) has been performed for this missense variant. However, the output from this modeling did not meet the statistical confidence thresholds required to predict the impact of this variant on SDHA protein function. In summary, the available evidence is currently insufficient to determine the role of this variant in disease. Therefore, it has been classified as a Variant of Uncertain Significance.